The following is an entry in ClinVar:

NM_181458.4(PAX3):c.233T>A (p.Val78Glu)

Gene: PAX3 (paired box 3; minus strand). Cytogenetic location: 2q36.1.
Variant type: single nucleotide variant.
Coding change: c.233T>A on transcript NM_181458.4 (MANE Select); coding-DNA position 233, T replaced by A.
Protein change: p.Val78Glu; replaces valine 78 with glutamic acid.
Molecular consequence: missense variant.
Genome position (GRCh38, 1-based): chr2:222,297,066, A>T on the plus strand (T>A on the coding strand, the complement: PAX3 is on the minus strand). VCF-style: chr2-222297066-A-T. GRCh37 (hg19) VCF-style: chr2-223161785-A-T.
Other names: c.233T>A, p.Val78Glu (NM_000438.6, NM_001127366.3, NM_013942.5 and 4 more transcripts); short protein forms V78E.
Identifiers: ClinVar variation 1195199 (VCV001195199.2), dbSNP rs2106203794, ClinGen allele CA351113533.

ClinVar aggregate classification (germline): Likely pathogenic (1 of 4 stars; one submission).

Submission:

GeneDx
Classification: Likely pathogenic. Last evaluated: 2020-04-09. Review status: criteria provided, single submitter. Criteria: GeneDx Variant Classification Process June 2021. Collection method: clinical testing. Allele origin: germline. Affected: yes.
Comment: Not observed in large population cohorts (Lek et al., 2016); In silico analysis supports that this missense variant has a deleterious effect on protein structure/function; Has not been previously published as pathogenic or benign to our knowledge; This variant is associated with the following publications: (PMID: 17323927)